The following is an entry in ClinVar:

NM_003361.4(UMOD):c.89-602C>T

Gene: UMOD (uromodulin; minus strand). Cytogenetic location: 16p12.3.
Variant type: single nucleotide variant.
Coding change: c.89-602C>T on transcript NM_003361.4 (MANE Select); 602 bases into the intron before coding-DNA position 89, C replaced by T.
Molecular consequence: intron variant. On other transcripts: synonymous variant (1).
Genome position (GRCh38, 1-based): chr16:20,349,814, G>A on the plus strand (C>T on the coding strand, the complement: UMOD is on the minus strand). VCF-style: chr16-20349814-G-A. GRCh37 (hg19) VCF-style: chr16-20361136-G-A.
Other names: c.144C>T, p.Gly48= (NM_001278614.2); c.89-602C>T (NM_001008389.3, NM_001378234.1, NM_001378235.1 and 3 more transcripts).
Identifiers: ClinVar variation 3041910 (VCV003041910.2), dbSNP rs74778184, ClinGen allele CA7939511.

ClinVar aggregate classification (germline): Benign (0 of 4 stars; one submission).

Conditions:
UMOD-related disorder. Also called: UMOD-related condition.

Allele frequency attached by ClinVar (database versions not stated): ExAC 0.00420; gnomAD 0.02294; TOPMed 0.02550; 1000 Genomes Project 0.02656; 1000 Genomes Project 30x 0.02873.
gnomAD v4.1: 6,813 of 1,549,254 alleles (0.44%); highest among the groups gnomAD compares: African/African-American, 8.2%; 248 homozygotes.

Submission:

PreventionGenetics, part of Exact Sciences
Classification: Benign for UMOD-related condition. Last evaluated: 2019-03-26. Review status: no assertion criteria provided. Collection method: clinical testing. Allele origin: germline.
Comment: This variant is classified as benign based on ACMG/AMP sequence variant interpretation guidelines (Richards et al. 2015 PMID: 25741868, with internal and published modifications).